The following is an entry in ClinVar:

NM_005559.4(LAMA1):c.7882A>G (p.Ile2628Val)

Gene: LAMA1 (laminin subunit alpha 1; minus strand). Cytogenetic location: 18p11.31.
Variant type: single nucleotide variant.
Coding change: c.7882A>G on transcript NM_005559.4 (MANE Select); coding-DNA position 7882, A replaced by G.
Protein change: p.Ile2628Val; replaces isoleucine 2628 with valine.
Molecular consequence: missense variant.
Genome position (GRCh38, 1-based): chr18:6,958,559, T>C on the plus strand (A>G on the coding strand, the complement: LAMA1 is on the minus strand). VCF-style: chr18-6958559-T-C. GRCh37 (hg19) VCF-style: chr18-6958558-T-C.
Other names: short protein forms I2628V.
Identifiers: ClinVar variation 1379197 (VCV001379197.8), dbSNP rs1223306341, ClinGen allele CA401843165.

ClinVar aggregate classification (germline): Uncertain significance (1 of 4 stars; one submission).

Allele frequency attached by ClinVar (database versions not stated): gnomAD exomes below 0.00001; gnomAD 0.00001; TOPMed 0.00001.
gnomAD v4.1: 4 of 1,614,052 alleles (0.00025%); highest among the groups gnomAD compares: Non-Finnish European, 0.00034%; no homozygotes.

Submission:

Labcorp Genetics (formerly Invitae), Labcorp
Classification: Uncertain significance. Last evaluated: 2021-05-30. Review status: criteria provided, single submitter. Criteria: Invitae Variant Classification Sherloc (09022015). Collection method: clinical testing. Allele origin: germline.
Comment: In summary, the available evidence is currently insufficient to determine the role of this variant in disease. Therefore, it has been classified as a Variant of Uncertain Significance. Algorithms developed to predict the effect of missense changes on protein structure and function output the following: SIFT: "Tolerated"; PolyPhen-2: "Benign"; Align-GVGD: "Class C0". The valine amino acid residue is found in multiple mammalian species, suggesting that this missense change does not adversely affect protein function. These predictions have not been confirmed by published functional studies and their clinical significance is uncertain. This variant has not been reported in the literature in individuals with LAMA1-related conditions. This variant is not present in population databases (ExAC no frequency). This sequence change replaces isoleucine with valine at codon 2628 of the LAMA1 protein (p.Ile2628Val). The isoleucine residue is weakly conserved and there is a small physicochemical difference between isoleucine and valine.